The following is an entry in ClinVar:

NM_005228.5(EGFR):c.1877A>C (p.Tyr626Ser)

Gene: EGFR (epidermal growth factor receptor; plus strand). Cytogenetic location: 7p11.2.
Variant type: single nucleotide variant.
Coding change: c.1877A>C on transcript NM_005228.5 (MANE Select); coding-DNA position 1877, A replaced by C.
Protein change: p.Tyr626Ser; replaces tyrosine 626 with serine.
Molecular consequence: missense variant.
Genome position (GRCh38, 1-based): chr7:55,165,434, A>C. VCF-style: chr7-55165434-A-C. GRCh37 (hg19) VCF-style: chr7-55233127-A-C.
Other names: c.1742A>C, p.Tyr581Ser (NM_001346897.2, NM_001346899.2); c.1877A>C, p.Tyr626Ser (NM_001346898.2, NM_201282.2, NM_201284.2); c.1718A>C, p.Tyr573Ser (NM_001346900.2); c.1076A>C, p.Tyr359Ser (NM_001346941.2); short protein forms Y573S, Y581S, Y359S, Y626S.
Identifiers: ClinVar variation 1966405 (VCV001966405.5), dbSNP rs2128946541, ClinGen allele CA367581129.

ClinVar aggregate classification (germline): Uncertain significance (1 of 4 stars; one submission).

Conditions:
EGFR-related lung cancer (EGFR). Identifiers: MedGen CN130014.

Submission:

Labcorp Genetics (formerly Invitae), Labcorp
Classification: Uncertain significance for EGFR-related lung cancer. Last evaluated: 2022-08-21. Review status: criteria provided, single submitter. Criteria: Invitae Variant Classification Sherloc (09022015). Collection method: clinical testing. Allele origin: germline.
Comment: This variant is not present in population databases (gnomAD no frequency). This sequence change replaces tyrosine, which is neutral and polar, with serine, which is neutral and polar, at codon 626 of the EGFR protein (p.Tyr626Ser). This variant has not been reported in the literature in individuals affected with EGFR-related conditions. In summary, the available evidence is currently insufficient to determine the role of this variant in disease. Therefore, it has been classified as a Variant of Uncertain Significance. Algorithms developed to predict the effect of missense changes on protein structure and function (SIFT, PolyPhen-2, Align-GVGD) all suggest that this variant is likely to be tolerated.